The following is an entry in ClinVar:

ClinVar aggregate classification (germline): Uncertain significance (1 of 4 stars; one submission).

gnomAD v4.1: 17 of 1,614,058 alleles (0.0011%); highest among the groups gnomAD compares: South Asian, 0.0022%; no homozygotes.

Submission:

GeneDx
Classification: Uncertain significance. Last evaluated: 2022-01-10. Review status: criteria provided, single submitter. Criteria: GeneDx Variant Classification Process June 2021. Collection method: clinical testing. Allele origin: germline. Affected: yes.
Comment: In silico analysis supports that this missense variant does not alter protein structure/function; Has not been previously published as pathogenic or benign to our knowledge

NM_001429.4(EP300):c.5833G>A (p.Val1945Met)

Gene: EP300 (E1A binding protein p300; plus strand). Cytogenetic location: 22q13.2.
Variant type: single nucleotide variant.
Coding change: c.5833G>A on transcript NM_001429.4 (MANE Select); coding-DNA position 5833, G replaced by A.
Protein change: p.Val1945Met; replaces valine 1945 with methionine.
Molecular consequence: missense variant.
Genome position (GRCh38, 1-based): chr22:41,177,544, G>A. VCF-style: chr22-41177544-G-A. GRCh37 (hg19) VCF-style: chr22-41573548-G-A.
Other names: c.5755G>A, p.Val1919Met (NM_001362843.2); short protein forms V1919M, V1945M.
Identifiers: ClinVar variation 1695714 (VCV001695714.2), dbSNP rs774508702, ClinGen allele CA324559118.